The following is an entry in ClinVar:

ClinVar aggregate classification (germline): Uncertain significance (1 of 4 stars; one submission).

Conditions:
Charcot-Marie-Tooth disease, type I (CMT1). Also called: Charcot-Marie-Tooth disease type 1; Charcot-Marie-Tooth, Type 1. Identifiers: Orphanet 65753, MedGen C0751036, MONDO:0019011.

Submission:

Labcorp Genetics (formerly Invitae), Labcorp
Classification: Uncertain significance for Charcot-Marie-Tooth disease, type I. Last evaluated: 2019-10-09. Review status: criteria provided, single submitter. Criteria: Invitae Variant Classification Sherloc (09022015). Collection method: clinical testing. Allele origin: germline.
Comment: This sequence change replaces valine with alanine at codon 13 of the PMP22 protein (p.Val13Ala). The valine residue is moderately conserved and there is a small physicochemical difference between valine and alanine. This variant is not present in population databases (ExAC no frequency). This variant has not been reported in the literature in individuals with PMP22-related conditions. Algorithms developed to predict the effect of missense changes on protein structure and function (SIFT, PolyPhen-2, Align-GVGD) all suggest that this variant is likely to be disruptive, but these predictions have not been confirmed by published functional studies and their clinical significance is uncertain. In summary, the available evidence is currently insufficient to determine the role of this variant in disease. Therefore, it has been classified as a Variant of Uncertain Significance.

NM_000304.4(PMP22):c.38T>C (p.Val13Ala)

Gene: PMP22 (peripheral myelin protein 22; minus strand). Cytogenetic location: 17p12.
Variant type: single nucleotide variant.
Coding change: c.38T>C on transcript NM_000304.4 (MANE Select); coding-DNA position 38, T replaced by C.
Protein change: p.Val13Ala; replaces valine 13 with alanine.
Molecular consequence: missense variant.
Genome position (GRCh38, 1-based): chr17:15,260,690, A>G on the plus strand (T>C on the coding strand, the complement: PMP22 is on the minus strand). VCF-style: chr17-15260690-A-G. GRCh37 (hg19) VCF-style: chr17-15164007-A-G.
Other names: c.38T>C, p.Val13Ala (NM_001281455.2, NM_001281456.2, NM_001330143.2 and 2 more transcripts); short protein forms V13A.
Identifiers: ClinVar variation 964888 (VCV000964888.6), dbSNP rs1909248074, ClinGen allele CA398271725.